The following is an entry in ClinVar:

ClinVar aggregate classification (germline): Benign/Likely benign. Review status: criteria provided, multiple submitters, no conflicts (2 of 4 stars). 11 submissions from 11 submitters: Benign (5); Likely benign (4). 2 of the submissions do not count toward it. Last evaluated 2026-02-01.

Conditions:
ABCA4-related disorder. Also called: ABCA4-related condition; ABCA4-related disorders. Identifiers: MedGen CN239167.
MACULAR DEGENERATION, AGE-RELATED, 2, SUSCEPTIBILITY TO.

Allele frequency attached by ClinVar (database versions not stated): 1000 Genomes Project 30x 0.00328; 1000 Genomes Project 0.00399; TOPMed 0.00648; gnomAD 0.01011 and 0.01028; ExAC 0.01018; gnomAD exomes 0.01070 and 0.01192.
gnomAD v4.1: 18,903 of 1,614,162 alleles (1.2%); highest among the groups gnomAD compares: Non-Finnish European, 1.2%; 191 homozygotes.

Submissions (11):

CeGaT Center for Human Genetics Tuebingen
Classification: Benign. Last evaluated: 2026-02-01. Review status: criteria provided, single submitter. Criteria: CeGaT Center For Human Genetics Tuebingen Variant Classification Criteria Version 2. Collection method: clinical testing. Allele origin: germline. Affected: yes. Observed: 5 variant alleles.
Comment: ABCA4: BP4, BS1, BS2

Labcorp Genetics (formerly Invitae), Labcorp
Classification: Benign. Last evaluated: 2026-02-01. Review status: criteria provided, single submitter. Criteria: Invitae Variant Classification Sherloc (09022015). Collection method: clinical testing. Allele origin: germline.

Blueprint Genetics
Classification: Likely benign. Last evaluated: 2024-11-26. Review status: criteria provided, single submitter. Criteria: ACMG Guidelines, 2015. Collection method: clinical testing. Allele origin: germline.

ARUP Laboratories, Molecular Genetics and Genomics, ARUP Laboratories
Classification: Benign. Last evaluated: 2023-10-06. Review status: criteria provided, single submitter. Criteria: ARUP Molecular Germline Variant Investigation Process 2024. Collection method: clinical testing. Allele origin: germline.

GeneDx
Classification: Benign. Last evaluated: 2017-08-17. Review status: criteria provided, single submitter. Criteria: GeneDx Variant Classification (06012015). Collection method: clinical testing. Allele origin: germline. Affected: yes.
Comment: This variant is considered likely benign or benign based on one or more of the following criteria: it is a conservative change, it occurs at a poorly conserved position in the protein, it is predicted to be benign by multiple in silico algorithms, and/or has population frequency not consistent with disease.

Illumina Laboratory Services, Illumina
Classification: Likely benign for ABCA4-Related Disorders. Last evaluated: 2017-04-27. Review status: criteria provided, single submitter. Criteria: ICSL Variant Classification Criteria 13 December 2019. Collection method: clinical testing. Allele origin: germline.
Comment: This variant was observed as part of a predisposition screen in an ostensibly healthy population. A literature search was performed for the gene, cDNA change, and amino acid change (where applicable). No publications were found based on this search. Allele frequency data from public databases allowed determination this variant is unlikely to cause disease. Therefore, this variant is classified as likely benign.

Eurofins Ntd Llc (ga)
Classification: Benign. Last evaluated: 2016-10-26. Review status: criteria provided, single submitter. Criteria: EGL Classification Definitions 2015. Collection method: clinical testing. Allele origin: germline. Observed: 1 variant allele, 1 heterozygote.

Breakthrough Genomics
Classification: Likely benign. Review status: criteria provided, single submitter. Criteria: ACMG Guidelines, 2015. Collection method: not provided. Allele origin: germline. Inheritance: Autosomal recessive inheritance. Affected: yes.

PreventionGenetics, part of Exact Sciences
Classification: Likely benign. Review status: criteria provided, single submitter. Criteria: ACMG Guidelines, 2015. Collection method: clinical testing. Allele origin: germline.

OMIM
Classification: risk factor for MACULAR DEGENERATION, AGE-RELATED, 2, SUSCEPTIBILITY TO. Last evaluated: 1997-03-01. Review status: no assertion criteria provided. Collection method: literature only. Allele origin: germline. Not counted in ClinVar's aggregate classification.

Retina International
No classification provided. Review status: no classification provided. Collection method: not provided. Allele origin: unknown. Not counted in ClinVar's aggregate classification.

Literature cited by the submitters: PubMed 9054934 (cited by OMIM).

NM_000350.3(ABCA4):c.6529G>A (p.Asp2177Asn)

Gene: ABCA4 (ATP binding cassette subfamily A member 4; minus strand). Cytogenetic location: 1p22.1.
Variant type: single nucleotide variant.
Coding change: c.6529G>A on transcript NM_000350.3 (MANE Select); coding-DNA position 6529, G replaced by A.
Protein change: p.Asp2177Asn; replaces aspartic acid 2177 with asparagine.
Molecular consequence: missense variant.
Genome position (GRCh38, 1-based): chr1:93,998,061, C>T on the plus strand (G>A on the coding strand, the complement: ABCA4 is on the minus strand). VCF-style: chr1-93998061-C-T. GRCh37 (hg19) VCF-style: chr1-94463617-C-T.
Other names: c.6307G>A, p.Asp2103Asn (NM_001425324.1); short protein forms D2177N, D2103N.
Identifiers: ClinVar variation 7885 (VCV000007885.69), dbSNP rs1800555, ClinGen allele CA119130.